The following is an entry in ClinVar:

ClinVar aggregate classification (germline): Uncertain significance (1 of 4 stars; one submission).

gnomAD v4.1: 4 of 1,613,904 alleles (0.00025%); highest among the groups gnomAD compares: Non-Finnish European, 0.00034%; no homozygotes.

Submission:

Labcorp Genetics (formerly Invitae), Labcorp
Classification: Uncertain significance. Last evaluated: 2024-11-10. Review status: criteria provided, single submitter. Criteria: Invitae Variant Classification Sherloc (09022015). Collection method: clinical testing. Allele origin: germline.
Comment: This sequence change replaces threonine, which is neutral and polar, with alanine, which is neutral and non-polar, at codon 1979 of the LRRK1 protein (p.Thr1979Ala). This variant is not present in population databases (gnomAD no frequency). This variant has not been reported in the literature in individuals affected with LRRK1-related conditions. An algorithm developed to predict the effect of missense changes on protein structure and function outputs the following: PolyPhen-2: "Benign". The alanine amino acid residue is found in multiple mammalian species, which suggests that this missense change does not adversely affect protein function. In summary, the available evidence is currently insufficient to determine the role of this variant in disease. Therefore, it has been classified as a Variant of Uncertain Significance.

NM_024652.6(LRRK1):c.5935A>G (p.Thr1979Ala)

Genes: LRRK1 (leucine rich repeat kinase 1; plus strand), LRRK1-AS1 (LRRK1 antisense RNA 1; minus strand). Cytogenetic location: 15q26.3.
Variant type: single nucleotide variant.
Coding change: c.5935A>G on transcript NM_024652.6 (MANE Select); coding-DNA position 5935, A replaced by G.
Protein change: p.Thr1979Ala; replaces threonine 1979 with alanine.
Molecular consequence: missense variant.
Genome position (GRCh38, 1-based): chr15:101,068,735, A>G. VCF-style: chr15-101068735-A-G. GRCh37 (hg19) VCF-style: chr15-101608940-A-G.
Other names: short protein forms T1979A.
Identifiers: ClinVar variation 3714134 (VCV003714134.2).